The following is an entry in ClinVar:

ClinVar aggregate classification (germline): Uncertain significance (0 of 4 stars; one submission).

Conditions:
Anomalous pulmonary venous return. Identifiers: MedGen C4551905, HP:0010772.

Submission:

Lupski Lab, Baylor-Hopkins CMG, Baylor College of Medicine
Classification: Uncertain significance for Anomalous pulmonary venous return. Last evaluated: 2018-05-28. Review status: no assertion criteria provided. Collection method: research. Allele origin: germline. Affected: yes. Observed: 1 variant allele.
Comment: This gene has not been previously associated with human disease.

Single allele

Gene: SMAD2 (SMAD family member 2; minus strand). Cytogenetic location: 18q21.1.
Variant type: single nucleotide variant.
Identifiers: ClinVar variation 545558 (VCV000545558.2).